The following is an entry in ClinVar:

ClinVar aggregate classification (germline): Uncertain significance (1 of 4 stars; one submission).

Conditions:
Telangiectasia, hereditary hemorrhagic, type 2 (HHT2). Also called: Telangiectasia, hereditary hemorrhagic, type II; ACVRL1-Related Hereditary Hemorrhagic Telangiectasia. Identifiers: Orphanet 774, MedGen C1838163, MONDO:0010880, OMIM 600376. Disease mechanism: loss of function.

Submission:

Labcorp Genetics (formerly Invitae), Labcorp
Classification: Uncertain significance for Telangiectasia, hereditary hemorrhagic, type 2. Last evaluated: 2021-06-16. Review status: criteria provided, single submitter. Criteria: Invitae Variant Classification Sherloc (09022015). Collection method: clinical testing. Allele origin: germline.
Comment: This sequence change replaces arginine with serine at codon 61 of the ACVRL1 protein (p.Arg61Ser). The arginine residue is moderately conserved and there is a moderate physicochemical difference between arginine and serine. This variant is not present in population databases (ExAC no frequency). This variant has not been reported in the literature in individuals with ACVRL1-related conditions. Algorithms developed to predict the effect of missense changes on protein structure and function (SIFT, PolyPhen-2, Align-GVGD) all suggest that this variant is likely to be tolerated, but these predictions have not been confirmed by published functional studies and their clinical significance is uncertain. In summary, the available evidence is currently insufficient to determine the role of this variant in disease. Therefore, it has been classified as a Variant of Uncertain Significance.

NM_000020.3(ACVRL1):c.183G>C (p.Arg61Ser)

Gene: ACVRL1 (activin A receptor like type 1; plus strand). Cytogenetic location: 12q13.13.
Variant type: single nucleotide variant.
Coding change: c.183G>C on transcript NM_000020.3 (MANE Select); coding-DNA position 183, G replaced by C.
Protein change: p.Arg61Ser; replaces arginine 61 with serine.
Molecular consequence: missense variant.
Genome position (GRCh38, 1-based): chr12:51,913,220, G>C. VCF-style: chr12-51913220-G-C. GRCh37 (hg19) VCF-style: chr12-52307004-G-C.
Other names: c.183G>C, p.Arg61Ser (NM_001077401.2, NM_001406487.1, NM_001406488.1 and 6 more transcripts); short protein forms R61S.
Identifiers: ClinVar variation 1955072 (VCV001955072.2), dbSNP rs1488803418, ClinGen allele CA384897850.